The following is an entry in ClinVar:

NM_144596.4(TTC8):c.1026A>G (p.Pro342=)

Gene: TTC8 (tetratricopeptide repeat domain 8; plus strand). Cytogenetic location: 14q31.3.
Variant type: single nucleotide variant.
Coding change: c.1026A>G on transcript NM_144596.4 (MANE Select); coding-DNA position 1026, A replaced by G.
Protein change: p.Pro342=; no amino-acid change (proline 342 retained).
Molecular consequence: synonymous variant. On other transcripts: non-coding transcript variant (1).
Genome position (GRCh38, 1-based): chr14:88,870,175, A>G. VCF-style: chr14-88870175-A-G. GRCh37 (hg19) VCF-style: chr14-89336519-A-G.
Other names: c.1074A>G, p.Pro358= (NM_001288781.1); c.432A>G, p.Pro144= (NM_001288782.1); c.309A>G, p.Pro103= (NM_001288783.1); c.996A>G, p.Pro332= (NM_001366535.2, NM_198309.3); c.906A>G, p.Pro302= (NM_001366536.2, NM_198310.3).
Identifiers: ClinVar variation 2164682 (VCV002164682.1), dbSNP rs1333398249, ClinGen allele CA487527968.

ClinVar aggregate classification (germline): Uncertain significance (1 of 4 stars; one submission).

Conditions:
Bardet-Biedl syndrome (BBS). Identifiers: Orphanet 110, MedGen C0752166, MONDO:0015229.

Allele frequency attached by ClinVar (database versions not stated): gnomAD 0.00001; TOPMed 0.00002.
gnomAD v4.1: 1 of 1,614,060 alleles (0.000062%); highest among the groups gnomAD compares: African/African-American, 0.0013%; no homozygotes.

Submission:

Labcorp Genetics (formerly Invitae), Labcorp
Classification: Uncertain significance for Bardet-Biedl syndrome. Last evaluated: 2022-09-13. Review status: criteria provided, single submitter. Criteria: Invitae Variant Classification Sherloc (09022015). Collection method: clinical testing. Allele origin: germline.
Comment: This sequence change affects codon 332 of the TTC8 mRNA. It is a 'silent' change, meaning that it does not change the encoded amino acid sequence of the TTC8 protein. This variant is not present in population databases (gnomAD no frequency). This variant has not been reported in the literature in individuals affected with TTC8-related conditions. Algorithms developed to predict the effect of sequence changes on RNA splicing suggest that this variant may create or strengthen a splice site. In summary, the available evidence is currently insufficient to determine the role of this variant in disease. Therefore, it has been classified as a Variant of Uncertain Significance.